The following is an entry in ClinVar:

NM_001130823.3(DNMT1):c.520A>C (p.Thr174Pro)

Gene: DNMT1 (DNA methyltransferase 1; minus strand). Cytogenetic location: 19p13.2.
Variant type: single nucleotide variant.
Coding change: c.520A>C on transcript NM_001130823.3 (MANE Select); coding-DNA position 520, A replaced by C.
Protein change: p.Thr174Pro; replaces threonine 174 with proline.
Molecular consequence: missense variant.
Genome position (GRCh38, 1-based): chr19:10,177,341, T>G on the plus strand (A>C on the coding strand, the complement: DNMT1 is on the minus strand). VCF-style: chr19-10177341-T-G. GRCh37 (hg19) VCF-style: chr19-10288017-T-G.
Other names: c.520A>C (NM_001130823.2, LRG_362t1); c.472A>C, p.Thr158Pro (NM_001318730.2, NM_001379.4); c.157A>C, p.Thr53Pro (NM_001318731.2); short protein forms T174P, T158P, T53P.
Identifiers: ClinVar variation 472279 (VCV000472279.58), dbSNP rs201319352, ClinGen allele CA9188705.

ClinVar aggregate classification (germline): Conflicting classifications of pathogenicity. Review status: criteria provided, conflicting classifications (1 of 4 stars). 6 submissions from 6 submitters: Uncertain significance (2); Likely benign (4). Last evaluated 2025-12-28.

Conditions:
DNMT1-related disorder. Also called: DNMT1-related condition. Identifiers: MedGen CN381527.
Inborn genetic diseases. Identifiers: MedGen C0950123, MeSH D030342.
Hereditary sensory neuropathy-deafness-dementia syndrome. Also called: Hereditary sensory neuropathy type IE; Hereditary Sensory and Autonomic Neuropathy Type 1E (HSAN1E); NEUROPATHY, HEREDITARY SENSORY, WITH HEARING LOSS AND DEMENTIA; HSN IE. Identifiers: Orphanet 456318, MedGen C3279885, MONDO:0013584, OMIM 614116.

Allele frequency attached by ClinVar (database versions not stated): ESP Exome Variant Server 0.00008; ExAC 0.00009; gnomAD 0.00009; gnomAD exomes 0.00009 and 0.00016; TOPMed 0.00010.
gnomAD v4.1: 152 of 1,613,626 alleles (0.0094%); highest among the groups gnomAD compares: Non-Finnish European, 0.0025%; no homozygotes.

Submissions (6):

Labcorp Genetics (formerly Invitae), Labcorp
Classification: Likely benign for Hereditary sensory neuropathy-deafness-dementia syndrome. Last evaluated: 2025-12-28. Review status: criteria provided, single submitter. Criteria: Invitae Variant Classification Sherloc (09022015). Collection method: clinical testing. Allele origin: germline.

PreventionGenetics, part of Exact Sciences
Classification: Likely benign for DNMT1-related condition. Last evaluated: 2025-03-13. Review status: criteria provided, single submitter. Criteria: ACMG Guidelines, 2015. Collection method: clinical testing. Allele origin: germline.
Comment: This variant is classified as likely benign based on ACMG/AMP sequence variant interpretation guidelines (Richards et al. 2015 PMID: 25741868, with internal and published modifications).

Blueprint Genetics
Classification: Likely benign. Last evaluated: 2024-01-17. Review status: criteria provided, single submitter. Criteria: ACMG Guidelines, 2015. Collection method: clinical testing. Allele origin: germline.

CeGaT Center for Human Genetics Tuebingen
Classification: Uncertain significance. Last evaluated: 2022-07-01. Review status: criteria provided, single submitter. Criteria: CeGaT Center For Human Genetics Tuebingen Variant Classification Criteria Version 2. Collection method: clinical testing. Allele origin: germline. Affected: yes. Observed: 2 variant alleles.
Comment: DNMT1: PP2, BP4

Ambry Genetics
Classification: Uncertain significance for Inborn genetic diseases. Last evaluated: 2022-03-28. Review status: criteria provided, single submitter. Criteria: Ambry Variant Classification Scheme 2023. Collection method: clinical testing. Allele origin: germline.
Comment: The p.T158P variant (also known as c.472A>C), located in coding exon 5 of the DNMT1 gene, results from an A to C substitution at nucleotide position 472. The threonine at codon 158 is replaced by proline, an amino acid with highly similar properties. This amino acid position is highly conserved in available vertebrate species. In addition, this alteration is predicted to be tolerated by in silico analysis. Since supporting evidence is limited at this time, the clinical significance of this alteration remains unclear.

Illumina Laboratory Services, Illumina
Classification: Likely benign for Hereditary sensory neuropathy-deafness-dementia syndrome. Last evaluated: 2018-01-13. Review status: criteria provided, single submitter. Criteria: ICSL Variant Classification Criteria 13 December 2019. Collection method: clinical testing. Allele origin: germline.
Comment: This variant was observed in the ICSL laboratory as part of a predisposition screen in an ostensibly healthy population. It had not been previously curated by ICSL or reported in the Human Gene Mutation Database (HGMD: prior to June 1st, 2018), and was therefore a candidate for classification through an automated scoring system. Utilizing variant allele frequency, disease prevalence and penetrance estimates, and inheritance mode, an automated score was calculated to assess if this variant is too frequent to cause the disease. Based on the score and internal cut-off values, a variant classified as likely benign is not then subjected to further curation. The score for this variant resulted in a classification of likely benign for this disease.